The following is an entry in ClinVar:

ClinVar aggregate classification (germline): Conflicting classifications of pathogenicity. Review status: criteria provided, conflicting classifications (1 of 4 stars). 14 submissions from 14 submitters: Pathogenic (1); Benign (2); Likely benign (5). 6 of the submissions do not count toward it. Last evaluated 2026-07-01.

Conditions:
EP300-related disorder. Also called: EP300-related condition; EP300-related disorders.
Inborn genetic diseases. Identifiers: MedGen C0950123, MeSH D030342.
Rubinstein-Taybi syndrome due to EP300 haploinsufficiency. Also called: EP300-Related Rubinstein-Taybi Syndrome; RUBINSTEIN-TAYBI SYNDROME 2. Identifiers: Orphanet 353284, Orphanet 783, MedGen C3150941, MONDO:0013364, OMIM 613684.

Submissions (14):

CeGaT Center for Human Genetics Tuebingen
Classification: Likely benign. Last evaluated: 2026-07-01. Review status: criteria provided, single submitter. Criteria: CeGaT Center For Human Genetics Tuebingen Variant Classification Criteria Version 2. Collection method: clinical testing. Allele origin: germline. Affected: yes. Observed: 27 variant alleles.
Comment: EP300: PM4, BS1, BS2

Labcorp Genetics (formerly Invitae), Labcorp
Classification: Likely benign for Rubinstein-Taybi syndrome due to EP300 haploinsufficiency. Last evaluated: 2026-01-28. Review status: criteria provided, single submitter. Criteria: Invitae Variant Classification Sherloc (09022015). Collection method: clinical testing. Allele origin: germline.

Blueprint Genetics
Classification: Likely benign. Last evaluated: 2024-11-28. Review status: criteria provided, single submitter. Criteria: ACMG Guidelines, 2015. Collection method: clinical testing. Allele origin: germline.

Laboratorio de Genetica e Diagnostico Molecular, Hospital Israelita Albert Einstein
Classification: Benign. Last evaluated: 2022-01-14. Review status: criteria provided, single submitter. Criteria: ACMG Guidelines, 2015. Collection method: clinical testing. Allele origin: germline. Affected: yes.
Comment: ACMG classification criteria: BS1, BS2

Ambry Genetics
Classification: Likely benign for Inborn genetic diseases. Last evaluated: 2021-07-23. Review status: criteria provided, single submitter. Criteria: Ambry Variant Classification Scheme 2023. Collection method: clinical testing. Allele origin: germline.

GeneDx
Classification: Benign. Last evaluated: 2019-01-17. Review status: criteria provided, single submitter. Criteria: GeneDx Variant Classification Process June 2021. Collection method: clinical testing. Allele origin: germline. Affected: yes.
Comment: This variant is associated with the following publications: (PMID: 29506490, 33337535)

Institute of Human Genetics, University of Leipzig Medical Center
Classification: Likely benign for Rubinstein-Taybi syndrome due to EP300 haploinsufficiency. Last evaluated: 2019-01-01. Review status: criteria provided, single submitter. Criteria: ACMG Guidelines, 2015. Collection method: clinical testing. Allele origin: unknown. Affected: yes.

Fundacion Rioja Salud, Center for Biomedical Research (CIBIR)
Classification: Pathogenic for Rubinstein-Taybi syndrome due to EP300 haploinsufficiency. Last evaluated: 2016-07-01. Review status: criteria provided, single submitter. Criteria: ACMG Guidelines, 2015. Collection method: research. Allele origin: de novo. Affected: yes. Observed: 1 variant allele.

PreventionGenetics, part of Exact Sciences
Classification: Likely benign for EP300-related condition. Last evaluated: 2019-07-26. Review status: no assertion criteria provided. Collection method: clinical testing. Allele origin: germline. Not counted in ClinVar's aggregate classification.
Comment: This variant is classified as likely benign based on ACMG/AMP sequence variant interpretation guidelines (Richards et al. 2015 PMID: 25741868, with internal and published modifications).

ITMI
No classification provided. Condition: AllHighlyPenetrant. Last evaluated: 2013-09-19. Review status: no classification provided. Collection method: reference population. Allele origin: germline. Not counted in ClinVar's aggregate classification.
Comment: Please see associated publication for description of ethnicities

Clinical Genetics DNA and cytogenetics Diagnostics Lab, Erasmus MC, Erasmus Medical Center
Classification: Likely benign. Review status: no assertion criteria provided. Collection method: clinical testing. Allele origin: germline. Affected: yes. Study: VKGL Data-share Consensus. Not counted in ClinVar's aggregate classification.

Diagnostic Laboratory, Department of Genetics, University Medical Center Groningen
Classification: Likely benign. Review status: no assertion criteria provided. Collection method: clinical testing. Allele origin: germline. Affected: yes. Study: VKGL Data-share Consensus. Not counted in ClinVar's aggregate classification.

Laboratory of Diagnostic Genome Analysis, Leiden University Medical Center (LUMC)
Classification: Likely benign. Review status: no assertion criteria provided. Collection method: clinical testing. Allele origin: germline. Affected: yes. Study: VKGL Data-share Consensus. Not counted in ClinVar's aggregate classification.

Dr. med. U. Finckh, Human Genetics, Eurofins MVZ
Classification: Uncertain significance for Rubinstein-Taybi syndrome due to EP300 haploinsufficiency. Last evaluated: 2022-10-20. Review status: flagged submission. Criteria: ACMG Guidelines, 2015. Collection method: clinical testing. Allele origin: paternal. Observed: 1 heterozygote. Not counted in ClinVar's aggregate classification.
Comment: This EP300 variant deletes 12 nucleotides leading to an inframe deletion of codons 2209-2213 and insertion of 1 Lysine. It has been described occurring de novo in patients with Rubinstein-Taybi syndrome (PMID: 29506490, 33337535) but also is present in approx. 0.6% of the european general population. Either the variant was found randomly and without causal relationship in affected patients or it predisposes - seeming less likely - to a low-penetrance / variable-expression form of the disease, possibly influenced by additional factors. We classify the variant as uncertain.
ClinVar note: Reason: Outlier claim with insufficient supporting evidence

Literature cited by the submitters: PubMed 24728327 (cited by ITMI).

NM_001429.4(EP300):c.6627_6638del (p.Asn2209_Gln2213delinsLys)

Gene: EP300 (EP300 lysine acetyltransferase; plus strand). Cytogenetic location: 22q13.2.
Variant type: Deletion.
Coding change: c.6627_6638del on transcript NM_001429.4 (MANE Select); coding-DNA positions 6627 to 6638, 12 bases deleted (CCAGTTCCAGCA).
Protein change: p.Asn2209_Gln2213delinsLys.
Molecular consequence: inframe indel.
Genome position (GRCh38, 1-based): chr22:41,178,338-41,178,349, CCAGTTCCAGCA deleted; deleting any 12 consecutive bases within chr22:41,178,337-41,178,349 gives the same sequence; the c. name uses the placement nearest the transcript's 3' end. VCF-style (leftmost placement, unchanged base first): chr22-41178336-AACCAGTTCCAGC-A. GRCh37 (hg19) VCF-style: chr22-41574340-AACCAGTTCCAGC-A.
Other names: c.6626_6637del (NM_001429.4); c.6549_6560del, p.Asn2183_Gln2187delinsLys (NM_001362843.2); c.6627_6638del12 (NM_001429.3).
Identifiers: ClinVar variation 253313 (VCV000253313.56), dbSNP rs587778256, ClinGen allele CA158504.
Genomic context (GRCh38, chr22:41,178,336, plus strand): 5'-ATGCAACAGCAGCAGCAACAGGGAGCAGGGCCAGGAATAGGCCCTGGAATGGCCAACCAT[AACCAGTTCCAGC>A]AACCCCAAGGAGTTGGCTACCCACCACAGCAGCAGCAGCGGATGCAGCATCACATGCAAC-3'